The following is an entry in ClinVar:

ClinVar aggregate classification (germline): Uncertain significance (1 of 4 stars; one submission).

gnomAD v4.1: 1 of 1,614,140 alleles (0.000062%); no homozygotes.

Submission:

Ambry Genetics
Classification: Uncertain significance. Last evaluated: 2023-10-10. Review status: criteria provided, single submitter. Criteria: Ambry Variant Classification Scheme 2023. Collection method: clinical testing. Allele origin: germline.
Comment: The p.N996D variant (also known as c.2986A>G), located in coding exon 4 of the ALPK2 gene, results from an A to G substitution at nucleotide position 2986. The asparagine at codon 996 is replaced by aspartic acid, an amino acid with highly similar properties. This amino acid position is conserved. In addition, this alteration is predicted to be tolerated by in silico analysis. Since supporting evidence is limited at this time, the clinical significance of this alteration remains unclear.

NM_052947.4(ALPK2):c.2986A>G (p.Asn996Asp)

Gene: ALPK2 (alpha kinase 2; minus strand). Cytogenetic location: 18q21.31.
Variant type: single nucleotide variant.
Coding change: c.2986A>G on transcript NM_052947.4 (MANE Select); coding-DNA position 2986, A replaced by G.
Protein change: p.Asn996Asp; replaces asparagine 996 with aspartic acid.
Molecular consequence: missense variant.
Genome position (GRCh38, 1-based): chr18:58,537,201, T>C on the plus strand (A>G on the coding strand, the complement: ALPK2 is on the minus strand). VCF-style: chr18-58537201-T-C. GRCh37 (hg19) VCF-style: chr18-56204433-T-C.
Other names: short protein forms N996D.
Identifiers: ClinVar variation 1798441 (VCV001798441.2), dbSNP rs2518877024, ClinGen allele CA402569349.